The following is an entry in ClinVar:

ClinVar aggregate classification (germline): Conflicting classifications of pathogenicity. Review status: criteria provided, conflicting classifications (1 of 4 stars). 2 submissions from 2 submitters: Uncertain significance (1); Likely benign (1). Last evaluated 2025-03-15.

Conditions:
Pitt-Hopkins-like syndrome 2 (PTHSL2). Identifiers: Orphanet 221150, Orphanet 600663, MedGen C3280479, MONDO:0013690, OMIM 614325.

Allele frequency attached by ClinVar (database versions not stated): gnomAD exomes below 0.00001; ExAC 0.00002; gnomAD 0.00005 and 0.00006; TOPMed 0.00009; ESP Exome Variant Server 0.00015.
gnomAD v4.1: 10 of 1,614,044 alleles (0.00062%); highest among the groups gnomAD compares: African/African-American, 0.013%; no homozygotes.

Submissions (2):

Labcorp Genetics (formerly Invitae), Labcorp
Classification: Uncertain significance for Pitt-Hopkins-like syndrome 2. Last evaluated: 2025-03-15. Review status: criteria provided, single submitter. Criteria: Invitae Variant Classification Sherloc (09022015). Collection method: clinical testing. Allele origin: germline.
Comment: This sequence change affects codon 1279 of the NRXN1 mRNA. It is a 'silent' change, meaning that it does not change the encoded amino acid sequence of the NRXN1 protein. It affects a nucleotide within the consensus splice site. This variant is present in population databases (rs145558855, gnomAD 0.01%). This variant has not been reported in the literature in individuals affected with NRXN1-related conditions. ClinVar contains an entry for this variant (Variation ID: 383884). Algorithms developed to predict the effect of sequence changes on RNA splicing suggest that this variant is not likely to affect RNA splicing. In summary, the available evidence is currently insufficient to determine the role of this variant in disease. Therefore, it has been classified as a Variant of Uncertain Significance.

GeneDx
Classification: Likely benign. Last evaluated: 2017-09-29. Review status: criteria provided, single submitter. Criteria: GeneDx Variant Classification (06012015). Collection method: clinical testing. Allele origin: germline. Affected: yes.
Comment: This variant is considered likely benign or benign based on one or more of the following criteria: it is a conservative change, it occurs at a poorly conserved position in the protein, it is predicted to be benign by multiple in silico algorithms, and/or has population frequency not consistent with disease.

NM_001330078.2(NRXN1):c.3717A>T (p.Ala1239=)

Gene: NRXN1 (neurexin 1; minus strand). Cytogenetic location: 2p16.3.
Variant type: single nucleotide variant.
Coding change: c.3717A>T on transcript NM_001330078.2 (MANE Select); coding-DNA position 3717, A replaced by T.
Protein change: p.Ala1239=; no amino-acid change (alanine 1239 retained).
Molecular consequence: synonymous variant.
Genome position (GRCh38, 1-based): chr2:50,091,324, T>A on the plus strand (A>T on the coding strand, the complement: NRXN1 is on the minus strand). VCF-style: chr2-50091324-T-A. GRCh37 (hg19) VCF-style: chr2-50318462-T-A.
Other names: c.3837A>T, p.Ala1279= (NM_001135659.3); c.3693A>T, p.Ala1231= (NM_001330077.2, NM_001330082.2); c.3651A>T, p.Ala1217= (NM_001330083.2, NM_001330084.2); c.3690A>T, p.Ala1230= (NM_001330085.2); c.3717A>T, p.Ala1239= (NM_001330086.2, NM_004801.6); c.3606A>T, p.Ala1202= (NM_001330087.2, NM_001330096.2); c.3636A>T, p.Ala1212= (NM_001330088.2); c.612A>T, p.Ala204= (NM_001330091.2, NM_001330092.2, NM_001330097.2 and 1 more transcripts); and 3 more.
Identifiers: ClinVar variation 383884 (VCV000383884.7), dbSNP rs145558855, ClinGen allele CA1654388.